The following is an entry in ClinVar:

ClinVar aggregate classification (germline): Uncertain significance (1 of 4 stars; one submission).

gnomAD v4.1: 1 of 1,613,008 alleles (0.000062%); highest among the groups gnomAD compares: South Asian, 0.0011%; no homozygotes.

Submission:

Labcorp Genetics (formerly Invitae), Labcorp
Classification: Uncertain significance. Last evaluated: 2024-08-14. Review status: criteria provided, single submitter. Criteria: Invitae Variant Classification Sherloc (09022015). Collection method: clinical testing. Allele origin: germline.
Comment: This sequence change replaces leucine, which is neutral and non-polar, with methionine, which is neutral and non-polar, at codon 324 of the DHX37 protein (p.Leu324Met). This variant is present in population databases (rs754664449, gnomAD 0.003%). This variant has not been reported in the literature in individuals affected with DHX37-related conditions. Invitae Evidence Modeling of protein sequence and biophysical properties (such as structural, functional, and spatial information, amino acid conservation, physicochemical variation, residue mobility, and thermodynamic stability) indicates that this missense variant is not expected to disrupt DHX37 protein function with a negative predictive value of 80%. In summary, the available evidence is currently insufficient to determine the role of this variant in disease. Therefore, it has been classified as a Variant of Uncertain Significance.

NM_032656.4(DHX37):c.970C>A (p.Leu324Met)

Gene: DHX37 (DEAH-box helicase 37; minus strand). Cytogenetic location: 12q24.31.
Variant type: single nucleotide variant.
Coding change: c.970C>A on transcript NM_032656.4 (MANE Select); coding-DNA position 970, C replaced by A.
Protein change: p.Leu324Met; replaces leucine 324 with methionine.
Molecular consequence: missense variant.
Genome position (GRCh38, 1-based): chr12:124,975,429, G>T on the plus strand (C>A on the coding strand, the complement: DHX37 is on the minus strand). VCF-style: chr12-124975429-G-T. GRCh37 (hg19) VCF-style: chr12-125459975-G-T.
Other names: short protein forms L324M.
Identifiers: ClinVar variation 3684141 (VCV003684141.2).